The following is an entry in ClinVar:

ClinVar aggregate classification (germline): Likely pathogenic (1 of 4 stars; one submission).

Conditions:
Mucopolysaccharidosis, MPS-IV-A (MPS4A). Also called: Mucopolysaccharidosis type IV A; Mucopolysaccharidosis Type IVA; Morquio syndrome A, mild; MORQUIO SYNDROME A; GALACTOSAMINE-6-SULFATASE DEFICIENCY; GALNS DEFICIENCY. Identifiers: Orphanet 309297, Orphanet 582, MedGen C0086651, MONDO:0009659, OMIM 253000.

Submission:

Department of Pediatrics, GMC Srinagar, Government Medical College Srinagar
Classification: Likely pathogenic for Mucopolysaccharidosis, MPS-IV-A. Last evaluated: 2026-10-07. Review status: criteria provided, single submitter. Criteria: ACMG Guidelines, 2015. Collection method: clinical testing. Allele origin: germline. Inheritance: Autosomal recessive inheritance. Affected: yes. Observed: 1 variant allele, 1 homozygote.
Comment: This variant (hg38 - chr16:88832102 C>T) is classified as likely pathogenic as it affects the canonical splice acceptor site and is not reported in population databases (e.g., gnomAD v.4.1.2, etc.). Another variant at the same location (c.899-1G>C) has been shown to lead to exon skipping and reading frame disruption (Carraresi L, et al. Clin Chim Acta. 2008;397:72-76).

NM_000512.5(GALNS):c.899-1G>A

Gene: GALNS (galactosamine (N-acetyl)-6-sulfatase; minus strand). Cytogenetic location: 16q24.3.
Variant type: single nucleotide variant.
Coding change: c.899-1G>A on transcript NM_000512.5 (MANE Select); the canonical splice acceptor site of the intron before coding-DNA position 899, G replaced by A.
Molecular consequence: splice acceptor variant.
Genome position (GRCh38, 1-based): chr16:88,832,102, C>T on the plus strand (G>A on the coding strand, the complement: GALNS is on the minus strand). VCF-style: chr16-88832102-C-T. GRCh37 (hg19) VCF-style: chr16-88898510-C-T.
Other names: c.344-1G>A (NM_001323543.2); c.917-1G>A (NM_001323544.2).
Identifiers: ClinVar variation 5020108 (VCV005020108.1).